The following is an entry in ClinVar:

NM_000337.6(SGCD):c.91C>T (p.Arg31Trp)

Gene: SGCD (sarcoglycan delta; plus strand). Cytogenetic location: 5q33.3.
Variant type: single nucleotide variant.
Coding change: c.91C>T on transcript NM_000337.6 (MANE Select); coding-DNA position 91, C replaced by T.
Protein change: p.Arg31Trp; replaces arginine 31 with tryptophan.
Molecular consequence: missense variant.
Genome position (GRCh38, 1-based): chr5:156,344,576, C>T. VCF-style: chr5-156344576-C-T. GRCh37 (hg19) VCF-style: chr5-155771586-C-T.
Other names: NM_000337.6(SGCD):c.91C>T; p.Arg31Trp; c.88C>T, p.Arg30Trp (NM_001128209.2); c.91C>T, p.Arg31Trp (NM_172244.3); short protein forms R30W, R31W.
Identifiers: ClinVar variation 652862 (VCV000652862.10), dbSNP rs202223676, ClinGen allele CA3530486.

ClinVar aggregate classification (germline): Uncertain significance. Review status: reviewed by expert panel (3 of 4 stars). 6 submissions from 5 submitters: Uncertain significance (1). 5 of the submissions do not count toward it. Last evaluated 2025-01-08.

Conditions:
Dilated cardiomyopathy 1L (CMD1L). Identifiers: Orphanet 154, MedGen C1847667, MONDO:0011702, OMIM 606685.
Autosomal recessive limb-girdle muscular dystrophy type 2F (LGMDR6). Also called: Muscular dystrophy limb-girdle with delta-sarcoglyan deficiency; MUSCULAR DYSTROPHY, LIMB-GIRDLE, AUTOSOMAL RECESSIVE 6. Identifiers: Orphanet 219, MedGen C1832525, MONDO:0011028, OMIM 601287. Disease mechanism: Affects gamma-sarcoglycan and also disrupts the integrity of the entire sarcoglycan complex..
Autosomal recessive limb-girdle muscular dystrophy. Identifiers: Orphanet 102015, MedGen C2931907, MONDO:0015152.

Allele frequency attached by ClinVar (database versions not stated): gnomAD 0.00001 and 0.00002; gnomAD exomes 0.00001 and 0.00002; TOPMed 0.00002.
gnomAD v4.1: 25 of 1,609,532 alleles (0.0016%); highest among the groups gnomAD compares: Middle Eastern, 0.016%; no homozygotes.

Submissions (6):

ClinGen Limb Girdle Muscular Dystrophy Variant Curation Expert Panel, ClinGen
Classification: Uncertain significance for Autosomal recessive limb-girdle muscular dystrophy. Last evaluated: 2025-01-08. Review status: reviewed by expert panel. Criteria: ClinGen LGMD VCEP ACMG Specifications SGCD V1.0.0. Collection method: curation. Allele origin: germline. Inheritance: Autosomal recessive inheritance.
Comment: The NM_000337.6: c.91C>T variant in SGCD is a missense variant predicted to cause substitution of arginine by tryptophan at amino acid 31 (p.Arg31Trp). The highest minor allele frequency for this variant is 0.00009898 in the South Asian population of gnomAD v2.1.1 (3/30310 exome chromosomes), which is higher than the LGMD VCEP threshold for PM2_Supporting (0.00009) (criterion not met). The computational predictor REVEL gives a score of 0.835, which is above the threshold of ≥0.70, evidence that correlates with impact to SGCD function (PP3). In summary, at this time there is insufficient evidence to classify this variant as pathogenic or benign, and it remains a variant of uncertain significance for autosomal recessive limb girdle muscular dystrophy based on the ACMG/AMP criteria applied, as specified by the ClinGen LGMD VCEP (LGMD VCEP specifications version 1.0.0; 01/08/2025): PP3.

Labcorp Genetics (formerly Invitae), Labcorp
Classification: Uncertain significance for Autosomal recessive limb-girdle muscular dystrophy type 2F. Last evaluated: 2024-09-04. Review status: criteria provided, single submitter. Criteria: Invitae Variant Classification Sherloc (09022015). Collection method: clinical testing. Allele origin: germline. Not counted in ClinVar's aggregate classification.
Comment: This sequence change replaces arginine, which is basic and polar, with tryptophan, which is neutral and slightly polar, at codon 31 of the SGCD protein (p.Arg31Trp). This variant is present in population databases (rs202223676, gnomAD 0.01%). This variant has not been reported in the literature in individuals affected with SGCD-related conditions. ClinVar contains an entry for this variant (Variation ID: 652862). Invitae Evidence Modeling of protein sequence and biophysical properties (such as structural, functional, and spatial information, amino acid conservation, physicochemical variation, residue mobility, and thermodynamic stability) indicates that this missense variant is expected to disrupt SGCD protein function with a positive predictive value of 80%. In summary, the available evidence is currently insufficient to determine the role of this variant in disease. Therefore, it has been classified as a Variant of Uncertain Significance.

GeneDx
Classification: Uncertain significance. Last evaluated: 2024-07-24. Review status: criteria provided, single submitter. Criteria: GeneDx Variant Classification Process June 2021. Collection method: clinical testing. Allele origin: germline. Affected: yes. Not counted in ClinVar's aggregate classification.
Comment: Not observed at significant frequency in large population cohorts (gnomAD); In silico analysis supports that this missense variant has a deleterious effect on protein structure/function; Has not been previously published as pathogenic or benign to our knowledge

Genome-Nilou Lab
Classification: Uncertain significance for Autosomal recessive limb-girdle muscular dystrophy type 2F. Last evaluated: 2023-02-08. Review status: criteria provided, single submitter. Criteria: ACMG Guidelines, 2015. Collection method: clinical testing. Allele origin: germline. Not counted in ClinVar's aggregate classification.

Genome-Nilou Lab
Classification: Uncertain significance for Dilated cardiomyopathy 1L. Last evaluated: 2023-02-08. Review status: criteria provided, single submitter. Criteria: ACMG Guidelines, 2015. Collection method: clinical testing. Allele origin: germline. Not counted in ClinVar's aggregate classification.

Fulgent Genetics
Classification: Uncertain significance for Autosomal recessive limb-girdle muscular dystrophy type 2F; Dilated cardiomyopathy 1L. Last evaluated: 2021-10-18. Review status: criteria provided, single submitter. Criteria: ACMG Guidelines, 2015. Collection method: clinical testing. Allele origin: unknown. Not counted in ClinVar's aggregate classification.